The following is an entry in ClinVar:

NM_000492.4(CFTR):c.1682C>T (p.Ala561Val)

Gene: CFTR (CF transmembrane conductance regulator; plus strand). Cytogenetic location: 7q31.2.
Variant type: single nucleotide variant.
Coding change: c.1682C>T on transcript NM_000492.4 (MANE Select); coding-DNA position 1682, C replaced by T.
Protein change: p.Ala561Val; replaces alanine 561 with valine.
Molecular consequence: missense variant.
Genome position (GRCh38, 1-based): chr7:117,590,355, C>T. VCF-style: chr7-117590355-C-T. GRCh37 (hg19) VCF-style: chr7-117230409-C-T.
Other names: short protein forms A561V.
Identifiers: ClinVar variation 1685619 (VCV001685619.3), dbSNP rs121909047, ClinGen allele CA368977004.

ClinVar aggregate classification (germline): Conflicting classifications of pathogenicity. Review status: criteria provided, conflicting classifications (1 of 4 stars). 2 submissions from 2 submitters: Pathogenic (1); Uncertain significance (1). Last evaluated 2025-04-04.

Conditions:
Hereditary pancreatitis (PCTT). Also called: Hereditary chronic pancreatitis; PRSS1-Related Hereditary Pancreatitis. Identifiers: Orphanet 676, MedGen C0238339, MONDO:0008185, OMIM 167800.

Submissions (2):

Women's Health and Genetics/Laboratory Corporation of America, LabCorp
Classification: Uncertain significance. Last evaluated: 2025-04-04. Review status: criteria provided, single submitter. Criteria: LabCorp Variant Classification Summary - May 2015. Collection method: clinical testing. Allele origin: germline.
Comment: Variant summary: CFTR c.1682C>T (p.Ala561Val) results in a non-conservative amino acid change in the encoded protein sequence. Four of four in-silico tools predict a damaging effect of the variant on protein function. The variant was absent in 250250 control chromosomes. The available data on variant occurrences in the general population are insufficient to allow any conclusion about variant significance. To our knowledge, no occurrence of c.1682C>T in individuals affected with Cystic Fibrosis and no experimental evidence demonstrating its impact on protein function have been reported. ClinVar contains an entry for this variant (Variation ID: 1685619). Based on the evidence outlined above, the variant was classified as uncertain significance.

Mendelics
Classification: Pathogenic for Hereditary pancreatitis. Last evaluated: 2022-05-04. Review status: criteria provided, single submitter. Criteria: Mendelics Assertion Criteria 2019. Collection method: clinical testing. Allele origin: germline.

Literature cited by the submitters: PubMed 28957316 (cited by Women's Health and Genetics/Laboratory Corporation of America, LabCorp).